The following is an entry in ClinVar:

NM_001282534.2(KCNK9):c.235A>G (p.Lys79Glu)

Gene: KCNK9 (potassium two pore domain channel subfamily K member 9; minus strand). Cytogenetic location: 8q24.3.
Variant type: single nucleotide variant.
Coding change: c.235A>G on transcript NM_001282534.2 (MANE Select); coding-DNA position 235, A replaced by G.
Protein change: p.Lys79Glu; replaces lysine 79 with glutamic acid.
Molecular consequence: missense variant. On other transcripts: non-coding transcript variant (1).
Genome position (GRCh38, 1-based): chr8:139,702,758, T>C on the plus strand (A>G on the coding strand, the complement: KCNK9 is on the minus strand). VCF-style: chr8-139702758-T-C. GRCh37 (hg19) VCF-style: chr8-140715001-T-C.
Other names: short protein forms K79E.
Identifiers: ClinVar variation 1307672 (VCV001307672.2), dbSNP rs2129830002, ClinGen allele CA372731745.

ClinVar aggregate classification (germline): Uncertain significance (1 of 4 stars; one submission).

Submission:

GeneDx
Classification: Uncertain significance. Last evaluated: 2019-08-05. Review status: criteria provided, single submitter. Criteria: GeneDx Variant Classification Process June 2021. Collection method: clinical testing. Allele origin: germline. Affected: yes.
Comment: Not observed in large population cohorts (Lek et al., 2016); In silico analysis, which includes protein predictors and evolutionary conservation, supports a deleterious effect; Has not been previously published as pathogenic or benign to our knowledge